The following is an entry in ClinVar:

NC_000016.9:g.(?_31282255)_(31282425_?)del

Gene: ITGAM (integrin subunit alpha M; plus strand). Cytogenetic location: 16p11.2.
Variant type: Deletion.
Identifiers: ClinVar variation 3243585 (VCV003243585.1).

ClinVar aggregate classification (germline): Uncertain significance (1 of 4 stars; one submission).

Submission:

Labcorp Genetics (formerly Invitae), Labcorp
Classification: Uncertain significance. Last evaluated: 2023-10-25. Review status: criteria provided, single submitter. Criteria: Invitae Variant Classification Sherloc (09022015). Collection method: clinical testing. Allele origin: unknown.
Comment: This variant is a gross deletion of the genomic region encompassing exon(s) 6 of the ITGAM gene. This deletion is out-of-frame, and is expected to create a premature translational stop signal and result in an absent or disrupted protein product. However, the current clinical and genetic evidence is not sufficient to establish whether loss-of-function variants in ITGAM cause disease. This variant has not been reported in the literature in individuals affected with ITGAM-related conditions. In summary, the available evidence is currently insufficient to determine the role of this variant in disease. Therefore, it has been classified as a Variant of Uncertain Significance.